The following is an entry in ClinVar:

ClinVar aggregate classification (germline): Benign. Review status: criteria provided, multiple submitters, no conflicts (2 of 4 stars). 5 submissions from 5 submitters: Benign (5). Last evaluated 2026-02-04.

Conditions:
Autosomal recessive congenital ichthyosis 5 (ARCI5). Also called: ICHTHYOSIS CONGENITA III; Ichthyosis, nonlamellar and nonerythrodermic, congenital, autosomal recessive. Identifiers: Orphanet 313, MedGen C1858133, MONDO:0011485, OMIM 604777.

Allele frequency attached by ClinVar (database versions not stated): gnomAD exomes 0.03350; ESP Exome Variant Server 0.03391; ExAC 0.03488; 1000 Genomes Project 0.03894; 1000 Genomes Project 30x 0.04044; gnomAD 0.03147 and 0.03301; TOPMed 0.03243.
gnomAD v4.1: 46,338 of 1,613,804 alleles (2.9%); highest among the groups gnomAD compares: South Asian, 9.2%; 1,102 homozygotes.

Submissions (7):

Labcorp Genetics (formerly Invitae), Labcorp
Classification: Benign. Last evaluated: 2026-02-04. Review status: criteria provided, single submitter. Criteria: Invitae Variant Classification Sherloc (09022015). Collection method: clinical testing. Allele origin: germline.

Genome-Nilou Lab
Classification: Benign for Autosomal recessive congenital ichthyosis 5. Last evaluated: 2021-07-30. Review status: criteria provided, single submitter. Criteria: ACMG Guidelines, 2015. Collection method: clinical testing. Allele origin: germline. Affected: no.

GeneDx
Classification: Benign. Last evaluated: 2021-06-09. Review status: criteria provided, single submitter. Criteria: GeneDx Variant Classification Process June 2021. Collection method: clinical testing. Allele origin: germline. Affected: yes.

Illumina Laboratory Services, Illumina
Classification: Benign for Autosomal recessive congenital ichthyosis 5. Last evaluated: 2018-01-13. Review status: criteria provided, single submitter. Criteria: ICSL Variant Classification Criteria 13 December 2019. Collection method: clinical testing. Allele origin: germline.
Comment: This variant was observed in the ICSL laboratory as part of a predisposition screen in an ostensibly healthy population. It had not been previously curated by ICSL or reported in the Human Gene Mutation Database (HGMD: prior to June 1st, 2018), and was therefore a candidate for classification through an automated scoring system. Utilizing variant allele frequency, disease prevalence and penetrance estimates, and inheritance mode, an automated score was calculated to assess if this variant is too frequent to cause the disease. Based on the score and internal cut-off values, a variant classified as benign is not then subjected to further curation. The score for this variant resulted in a classification of benign for this disease.

Breakthrough Genomics
Classification: Benign. Review status: criteria provided, single submitter. Criteria: ACMG Guidelines, 2015. Collection method: not provided. Allele origin: germline. Inheritance: Autosomal recessive inheritance. Affected: yes.

Dr. Peter K. Rogan Lab, Western University
No classification provided (evidence only). Condition: Thymoma. Review status: no classification provided. Collection method: in vitro. Allele origin: not applicable. Functional consequence: retained intron. Not counted in ClinVar's aggregate classification.

Dr. Peter K. Rogan Lab, Western University
No classification provided (evidence only). Condition: Malignant tumor of esophagus. Review status: no classification provided. Collection method: in vitro. Allele origin: not applicable. Functional consequence: retained intron. Not counted in ClinVar's aggregate classification.

NM_173483.4(CYP4F22):c.367+5G>A

Gene: CYP4F22 (cytochrome P450 family 4 subfamily F member 22; plus strand). Cytogenetic location: 19p13.12.
Variant type: single nucleotide variant.
Coding change: c.367+5G>A on transcript NM_173483.4 (MANE Select); 5 bases into the intron after coding-DNA position 367, G replaced by A.
Molecular consequence: intron variant.
Genome position (GRCh38, 1-based): chr19:15,529,858, G>A. VCF-style: chr19-15529858-G-A. GRCh37 (hg19) VCF-style: chr19-15640669-G-A.
Identifiers: ClinVar variation 328426 (VCV000328426.18), dbSNP rs73512652, ClinGen allele CA9269526.